The following is an entry in ClinVar:

ClinVar aggregate classification (germline): Uncertain significance. Review status: criteria provided, multiple submitters, no conflicts (2 of 4 stars). 4 submissions from 4 submitters: Uncertain significance (4). Last evaluated 2025-04-09.

Conditions:
Cardiovascular phenotype. Identifiers: MedGen CN230736.
Catecholaminergic polymorphic ventricular tachycardia 1. Also called: VENTRICULAR TACHYCARDIA, CATECHOLAMINERGIC POLYMORPHIC, 1, WITH OR WITHOUT ATRIAL DYSFUNCTION AND/OR DILATED CARDIOMYOPATHY; RYR2-Related Catecholaminergic Polymorphic Ventricular Tachycardia; VENTRICULAR TACHYCARDIA, STRESS-INDUCED POLYMORPHIC 1. Identifiers: Orphanet 3286, MedGen C1631597, MONDO:0011484, OMIM 604772.
Catecholaminergic polymorphic ventricular tachycardia 5 (CARDAR). Also called: Ventricular tachycardia, catecholaminergic polymorphic, 5, with or without muscle weakness; CARDIAC ARRHYTHMIA SYNDROME, WITH OR WITHOUT SKELETAL MUSCLE WEAKNESS. Identifiers: Orphanet 3286, MedGen C3809536, MONDO:0014191, OMIM 615441.

Allele frequency attached by ClinVar (database versions not stated): gnomAD exomes below 0.00001.
gnomAD v4.1: 2 of 1,457,624 alleles (0.00014%); highest among the groups gnomAD compares: Non-Finnish European, 0.00018%; no homozygotes.

Submissions (4):

Molecular Diagnostic Laboratory for Inherited Cardiovascular Disease, Montreal Heart Institute
Classification: Uncertain significance for Cardiovascular phenotype. Last evaluated: 2025-04-09. Review status: criteria provided, single submitter. Criteria: ACMG Guidelines, 2015. Collection method: clinical testing. Allele origin: germline. Affected: yes.

Fulgent Genetics
Classification: Uncertain significance for Catecholaminergic polymorphic ventricular tachycardia 1; Catecholaminergic polymorphic ventricular tachycardia 5. Last evaluated: 2021-09-23. Review status: criteria provided, single submitter. Criteria: ACMG Guidelines, 2015. Collection method: clinical testing. Allele origin: unknown.

Ambry Genetics
Classification: Uncertain significance for Cardiovascular phenotype. Last evaluated: 2020-06-16. Review status: criteria provided, single submitter. Criteria: Ambry Variant Classification Scheme 2023. Collection method: clinical testing. Allele origin: germline.
Comment: The p.P137L variant (also known as c.410C>T), located in coding exon 4 of the TRDN gene, results from a C to T substitution at nucleotide position 410. The proline at codon 137 is replaced by leucine, an amino acid with similar properties. This amino acid position is highly conserved in available vertebrate species. In addition, the in silico prediction for this alteration is inconclusive. Since supporting evidence is limited at this time, the clinical significance of this alteration remains unclear.

Labcorp Genetics (formerly Invitae), Labcorp
Classification: Uncertain significance for Catecholaminergic polymorphic ventricular tachycardia 1. Last evaluated: 2019-03-13. Review status: criteria provided, single submitter. Criteria: Invitae Variant Classification Sherloc (09022015). Collection method: clinical testing. Allele origin: germline.
Comment: This sequence change replaces proline with leucine at codon 137 of the TRDN protein (p.Pro137Leu). The proline residue is highly conserved and there is a moderate physicochemical difference between proline and leucine. This variant is not present in population databases (ExAC no frequency). This variant has not been reported in the literature in individuals with TRDN-related conditions. Algorithms developed to predict the effect of missense changes on protein structure and function are either unavailable or do not agree on the potential impact of this missense change (SIFT: "Deleterious"; PolyPhen-2: "Not Available"; Align-GVGD: "Class C0"). In summary, the available evidence is currently insufficient to determine the role of this variant in disease. Therefore, it has been classified as a Variant of Uncertain Significance.

NM_006073.4(TRDN):c.410C>T (p.Pro137Leu)

Gene: TRDN (triadin; minus strand). Cytogenetic location: 6q22.31.
Variant type: single nucleotide variant.
Coding change: c.410C>T on transcript NM_006073.4 (MANE Select); coding-DNA position 410, C replaced by T.
Protein change: p.Pro137Leu; replaces proline 137 with leucine.
Molecular consequence: missense variant.
Genome position (GRCh38, 1-based): chr6:123,547,354, G>A on the plus strand (C>T on the coding strand, the complement: TRDN is on the minus strand). VCF-style: chr6-123547354-G-A. GRCh37 (hg19) VCF-style: chr6-123868499-G-A.
Other names: c.410C>T, p.Pro137Leu (NM_001251987.2, NM_001256020.2, NM_001256021.2 and 1 more transcripts); short protein forms P137L.
Identifiers: ClinVar variation 835579 (VCV000835579.15), dbSNP rs1242484153, ClinGen allele CA365568581.
Genomic context (GRCh38, chr6:123,547,354, plus strand): 5'-TACCATAAGAGAAAAATAATTATTATCAAAGGTGAAAACAACTAACCTTTTTTTCTCAAG[G>A]GAGGCTCATCTATTTCTCCTAGACCAAGATTAAAAGAAAAACAAAGTTAGAAAATATTTT-3'
Protein context (NP_006064.2, residues 127-147): DTDKGEIDEP[Pro137Leu]LRKKEIHKDK